The following is an entry in ClinVar:

NM_003072.5(SMARCA4):c.2416T>A (p.Phe806Ile)

Gene: SMARCA4 (SWI/SNF related BAF chromatin remodeling complex subunit ATPase 4; plus strand). Cytogenetic location: 19p13.2.
Variant type: single nucleotide variant.
Coding change: c.2416T>A on transcript NM_003072.5 (MANE Select); coding-DNA position 2416, T replaced by A.
Protein change: p.Phe806Ile; replaces phenylalanine 806 with isoleucine.
Molecular consequence: missense variant. On other transcripts: non-coding transcript variant (1).
Genome position (GRCh38, 1-based): chr19:11,013,090, T>A. VCF-style: chr19-11013090-T-A. GRCh37 (hg19) VCF-style: chr19-11123766-T-A.
Other names: c.2416T>A, p.Phe806Ile (NM_001128844.3, NM_001128845.2, NM_001128846.2 and 4 more transcripts); short protein forms F806I.
Identifiers: ClinVar variation 1006745 (VCV001006745.8), dbSNP rs2089010016, ClinGen allele CA404053318.

ClinVar aggregate classification (germline): Uncertain significance (1 of 4 stars; one submission).

Conditions:
Rhabdoid tumor predisposition syndrome 2 (RTPS2). Identifiers: Orphanet 231108, Orphanet 69077, MedGen C2750074, MONDO:0013224, OMIM 613325.

Submission:

Labcorp Genetics (formerly Invitae), Labcorp
Classification: Uncertain significance for Rhabdoid tumor predisposition syndrome 2. Last evaluated: 2020-05-12. Review status: criteria provided, single submitter. Criteria: Invitae Variant Classification Sherloc (09022015). Collection method: clinical testing. Allele origin: germline.
Comment: This sequence change replaces phenylalanine with isoleucine at codon 806 of the SMARCA4 protein (p.Phe806Ile). The phenylalanine residue is moderately conserved and there is a small physicochemical difference between phenylalanine and isoleucine. This variant is not present in population databases (ExAC no frequency). In summary, the available evidence is currently insufficient to determine the role of this variant in disease. Therefore, it has been classified as a Variant of Uncertain Significance. Algorithms developed to predict the effect of missense changes on protein structure and function are either unavailable or do not agree on the potential impact of this missense change (SIFT: "Deleterious"; PolyPhen-2: "Probably Damaging"; Align-GVGD: "Class C0"). This variant has not been reported in the literature in individuals with SMARCA4-related conditions.